The following is an entry in ClinVar:

ClinVar aggregate classification (germline): Uncertain significance (1 of 4 stars; one submission).

Allele frequency attached by ClinVar (database versions not stated): TOPMed below 0.00001; gnomAD 0.00001.
gnomAD v4.1: 2 of 1,614,008 alleles (0.00012%); highest among the groups gnomAD compares: Non-Finnish European, 0.000085%; no homozygotes.

Submission:

GeneDx
Classification: Uncertain significance. Last evaluated: 2022-09-27. Review status: criteria provided, single submitter. Criteria: GeneDx Variant Classification Process June 2021. Collection method: clinical testing. Allele origin: germline. Affected: yes.
Comment: Not observed at significant frequency in large population cohorts (gnomAD); In silico analysis supports that this missense variant does not alter protein structure/function; Has not been previously published as pathogenic or benign to our knowledge

NM_007118.4(TRIO):c.4586G>A (p.Ser1529Asn)

Gene: TRIO (trio Rho guanine nucleotide exchange factor; plus strand). Cytogenetic location: 5p15.2.
Variant type: single nucleotide variant.
Coding change: c.4586G>A on transcript NM_007118.4 (MANE Select); coding-DNA position 4586, G replaced by A.
Protein change: p.Ser1529Asn; replaces serine 1529 with asparagine.
Molecular consequence: missense variant. On other transcripts: non-coding transcript variant (1).
Genome position (GRCh38, 1-based): chr5:14,399,042, G>A. VCF-style: chr5-14399042-G-A. GRCh37 (hg19) VCF-style: chr5-14399151-G-A.
Other names: short protein forms S1529N.
Identifiers: ClinVar variation 2446203 (VCV002446203.1), dbSNP rs1036925874, ClinGen allele CA113993219.